The following is an entry in ClinVar:

NM_000153.4(GALC):c.658C>T (p.Arg220Ter)

Gene: GALC (galactosylceramidase; minus strand). Cytogenetic location: 14q31.3.
Variant type: single nucleotide variant.
Coding change: c.658C>T on transcript NM_000153.4 (MANE Select); coding-DNA position 658, C replaced by T.
Protein change: p.Arg220Ter; replaces arginine 220 with a stop codon.
Molecular consequence: nonsense.
Genome position (GRCh38, 1-based): chr14:87,976,452, G>A on the plus strand (C>T on the coding strand, the complement: GALC is on the minus strand). VCF-style: chr14-87976452-G-A. GRCh37 (hg19) VCF-style: chr14-88442796-G-A.
Other names: c.589C>T, p.Arg197Ter (NM_001201401.2); c.580C>T, p.Arg194Ter (NM_001201402.2); short protein forms R220*, R194*, R197*.
Identifiers: ClinVar variation 189024 (VCV000189024.24), dbSNP rs766310671, ClinGen allele CA274279.

ClinVar aggregate classification (germline): Pathogenic. Review status: criteria provided, multiple submitters, no conflicts (2 of 4 stars). 8 submissions from 8 submitters: Pathogenic (7). 1 of the submissions does not count toward it. Last evaluated 2025-12-16.

Conditions:
Galactosylceramide beta-galactosidase deficiency. Also called: GALACTOCEREBROSIDASE DEFICIENCY; GALC DEFICIENCY; GLOBOID CELL LEUKOENCEPHALOPATHY; Leukodystrophy, Globoid Cell; Krabbe Disease. Identifiers: Orphanet 487, MedGen C0023521, MONDO:0009499, OMIM 245200.

Allele frequency attached by ClinVar (database versions not stated): ExAC 0.00001; TOPMed 0.00001.
gnomAD v4.1: 12 of 1,612,804 alleles (0.00074%); highest among the groups gnomAD compares: East Asian, 0.0022%; no homozygotes.

Submissions (8):

Labcorp Genetics (formerly Invitae), Labcorp
Classification: Pathogenic for Galactosylceramide beta-galactosidase deficiency. Last evaluated: 2025-12-16. Review status: criteria provided, single submitter. Criteria: Invitae Variant Classification Sherloc (09022015). Collection method: clinical testing. Allele origin: germline.
Comment: This sequence change creates a premature translational stop signal (p.Arg220*) in the GALC gene. It is expected to result in an absent or disrupted protein product. Loss-of-function variants in GALC are known to be pathogenic (PMID: 7437911, 9272171, 16607461). The frequency data for this variant in the population databases is considered unreliable, as metrics indicate poor data quality at this position in the gnomAD database. This premature translational stop signal has been observed in individuals with Krabbe disease (PMID: 16607461, 24252386). This variant is also known as R204X. ClinVar contains an entry for this variant (Variation ID: 189024). Algorithms developed to predict the effect of sequence changes on RNA splicing suggest that this variant may disrupt the consensus splice site. For these reasons, this variant has been classified as Pathogenic.

Natera, Inc.
Classification: Pathogenic for Galactosylceramide beta-galactosidase deficiency. Last evaluated: 2025-07-17. Review status: criteria provided, single submitter. Criteria: Natera Variant Classification Schema (03/2026). Collection method: clinical testing. Allele origin: germline.
Comment: The c.658C>T variant in GALC is a nonsense variant predicted to introduce a stop codon at amino acid 220. This variant is expected to result in nonsense mediated decay, truncation, or a dysfunctional protein product. This variant is rare in the general population with a frequency below the threshold expected for the associated phenotype(s). This variant has been observed in one or more individuals affected with the associated recessive disease, as either homozygous or compound heterozygous with a second variant (PMID: 30777126, 16607461). Functional studies show that this variant may disrupt protein function (PMID: 27638593). Given the available evidence, this variant is classified as Pathogenic.

Genomic Research Center, Shahid Beheshti University of Medical Sciences
Classification: Pathogenic for Galactosylceramide beta-galactosidase deficiency. Last evaluated: 2024-07-20. Review status: criteria provided, single submitter. Criteria: ACMG Guidelines, 2015. Collection method: clinical testing. Allele origin: inherited. Affected: yes. Observed: 1 compound heterozygote.
Comment: The c.658C>T variant is predicted to result in premature protein termination (p.Arg220Ter). These variants have been reported for their pathogenicity in ClinVar. Both variants were segregated within the family using Sanger sequencing.

GeneDx
Classification: Pathogenic. Last evaluated: 2024-03-26. Review status: criteria provided, single submitter. Criteria: GeneDx Variant Classification Process June 2021. Collection method: clinical testing. Allele origin: germline. Affected: yes.
Comment: Nonsense variant predicted to result in protein truncation or nonsense mediated decay in a gene for which loss of function is a known mechanism of disease; Not observed at significant frequency in large population cohorts (gnomAD); This variant is associated with the following publications: (PMID: 25525159, 31589614, 16607461, 27638593, 24252386, 36380532, 37928748, 37432431, 37434390, 34765479)

Revvity Omics, Revvity
Classification: Pathogenic. Last evaluated: 2024-01-28. Review status: criteria provided, single submitter. Criteria: ACMG Guidelines, 2015. Collection method: clinical testing. Allele origin: germline.

Eurofins Ntd Llc (ga)
Classification: Pathogenic. Last evaluated: 2017-08-31. Review status: criteria provided, single submitter. Criteria: EGL Classification Definitions 2015. Collection method: clinical testing. Allele origin: germline. Observed: 3 variant alleles, 3 heterozygotes.

Laboratoire de Génétique Moléculaire, CHU Bordeaux
Classification: Pathogenic. Review status: criteria provided, single submitter. Criteria: ACMG Guidelines, 2015. Collection method: clinical testing. Allele origin: germline. Affected: yes.

Counsyl
Classification: Likely pathogenic for Galactosylceramide beta-galactosidase deficiency. Last evaluated: 2014-10-20. Review status: no assertion criteria provided. Collection method: literature only. Allele origin: unknown. Inheritance: Autosomal recessive inheritance. Not counted in ClinVar's aggregate classification.

Literature cited by the submitters: PubMed 7437911 (cited by Labcorp Genetics (formerly Invitae), Labcorp); PubMed 9272171 (cited by Labcorp Genetics (formerly Invitae), Labcorp); PubMed 16607461 (cited by 4 submitters); PubMed 24252386 (cited by Labcorp Genetics (formerly Invitae), Labcorp and Counsyl); PubMed 30777126 (cited by Natera, Inc.); PubMed 27638593 (cited by Natera, Inc.).